The following is an entry in ClinVar:

NM_001197104.2(KMT2A):c.4772G>A (p.Cys1591Tyr)

Gene: KMT2A (lysine methyltransferase 2A; plus strand). Cytogenetic location: 11q23.3.
Variant type: single nucleotide variant.
Coding change: c.4772G>A on transcript NM_001197104.2 (MANE Select); coding-DNA position 4772, G replaced by A.
Protein change: p.Cys1591Tyr; replaces cysteine 1591 with tyrosine.
Molecular consequence: missense variant.
Genome position (GRCh38, 1-based): chr11:118,491,271, G>A. VCF-style: chr11-118491271-G-A. GRCh37 (hg19) VCF-style: chr11-118361986-G-A.
Other names: c.4871G>A, p.Cys1624Tyr (NM_001412597.1); c.4772G>A, p.Cys1591Tyr (NM_005933.4); short protein forms C1591Y, C1624Y.
Identifiers: ClinVar variation 2429547 (VCV002429547.1), dbSNP rs2134338932, ClinGen allele CA382834428.

ClinVar aggregate classification (germline): Uncertain significance (1 of 4 stars; one submission).

Submission:

GeneDx
Classification: Uncertain significance. Last evaluated: 2022-08-10. Review status: criteria provided, single submitter. Criteria: GeneDx Variant Classification Process June 2021. Collection method: clinical testing. Allele origin: germline. Affected: yes.
Comment: Not observed at significant frequency in large population cohorts (gnomAD); In silico analysis supports that this missense variant has a deleterious effect on protein structure/function; Has not been previously published as pathogenic or benign to our knowledge